The following is an entry in ClinVar:

NM_000535.7(PMS2):c.[1556A>G;1559C>T1567T>A]

Variant type: Haplotype.
Identifiers: ClinVar variation 3063704 (VCV003063704.1).

ClinVar aggregate classification (germline): Uncertain significance (1 of 4 stars; one submission).

Submission:

Women's Health and Genetics/Laboratory Corporation of America, LabCorp
Classification: Uncertain significance. Last evaluated: 2024-01-30. Review status: criteria provided, single submitter. Criteria: LabCorp Variant Classification Summary - May 2015. Collection method: clinical testing. Allele origin: germline.
Comment: Variant summary: PMS2 c.[1556A>G;1559C>T;1567T>A] (p.[Tyr519Cys;Ala520Val;Ser523Thr]) variant is a complex allele and involves the alteration of multiple nucleotides. The allele frequency of this complex variant could not be determined from population databases because the individual variants of the complex have variable frequencies and the exact number of alleles representing a combination of the three in cis is unknown. However, variant co-occurrence analysis (gnomAD v2.1) suggests that Y519C and A520V are on the same haplotype (max. subpopulation frequencies for each: Latino/Admixed American, ~0.00042), whereas S523T (max. subpopulation frequency: South Asian, 0.00046) likely found on different haplotypes in most individuals. The observed subpopulation variant frequencies for the component variants are approximately 4-fold of the estimated maximal expected allele frequency for a pathogenic variant in PMS2 causing Lynch Syndrome, suggesting that these variants in isolation are benign polymorphisms, however the frequency of the triple-complex could not be determined based on these data. The three component variants has been reported together in an individual affected with (suspected) Lynch Syndrome (Nomura_2015), however, in this patient a co-occurring pathogenic variant (PMS2 c.1492_1502del11 (p.Ser498GlyfsX3)) could explain the phenotype. In addition, although the three component variants were reported to be found in cohorts of patients affected with cancer phenotypes (e.g. Balogh_2006, Li_2020), it was unclear whether these variants occurred in the same- or different individuals. These reports therefore do not provide unequivocal conclusions about association of the variant with Lynch Syndrome. To our knowledge, for the complex haplotype no experimental evidence demonstrating an impact on protein function has been reported. The following publications have been ascertained in the context of this evaluation (PMID: 17016615, 26232782, 31391288). ClinVar contains an entry for this variant (Variation ID: 418418). Based on the evidence outlined above, the variant was classified as uncertain significance.

Literature cited by the submitters: PubMed 17016615; PubMed 26232782; PubMed 31391288.